The following is an entry in ClinVar:

NM_013266.4(CTNNA3):c.691G>A (p.Val231Ile)

Gene: CTNNA3 (catenin alpha 3; minus strand). Cytogenetic location: 10q21.3.
Variant type: single nucleotide variant.
Coding change: c.691G>A on transcript NM_013266.4 (MANE Select); coding-DNA position 691, G replaced by A.
Protein change: p.Val231Ile; replaces valine 231 with isoleucine.
Molecular consequence: missense variant.
Genome position (GRCh38, 1-based): chr10:67,219,759, C>T on the plus strand (G>A on the coding strand, the complement: CTNNA3 is on the minus strand). VCF-style: chr10-67219759-C-T. GRCh37 (hg19) VCF-style: chr10-68979517-C-T.
Other names: c.691G>A, p.Val231Ile (NM_001127384.3); c.727G>A, p.Val243Ile (NM_001291133.2); short protein forms V231I, V243I.
Identifiers: ClinVar variation 3498302 (VCV003498302.1).
Genomic context (GRCh38, chr10:67,219,759, plus strand): 5'-CATTGAGAGCATTCTGAATTTCTTCACAAACTGTGTCCTTGCTTGCTTTGAGGGAAGCAA[C>T]ATCAGAATGCTCCAAACAAGCTGAACAAATTGAATGCAAGAGGGGAGAGTTCTCCTTCAG-3'
Protein context (NP_037398.2, residues 221-241): ICSACLEHSD[Val231Ile]ASLKASKDTV

ClinVar aggregate classification (germline): Uncertain significance (1 of 4 stars; one submission).

gnomAD v4.1: 4 of 1,614,050 alleles (0.00025%); highest among the groups gnomAD compares: African/African-American, 0.0013%; no homozygotes.

Submission:

Ambry Genetics
Classification: Uncertain significance. Last evaluated: 2024-09-11. Review status: criteria provided, single submitter. Criteria: Ambry Variant Classification Scheme 2023. Collection method: clinical testing. Allele origin: germline.
Comment: The p.V231I variant (also known as c.691G>A), located in coding exon 5 of the CTNNA3 gene, results from a G to A substitution at nucleotide position 691. The valine at codon 231 is replaced by isoleucine, an amino acid with highly similar properties. This amino acid position is conserved. In addition, this alteration is predicted to be tolerated by in silico analysis. Based on the available evidence, the clinical significance of this variant remains unclear.